The following is an entry in ClinVar:

NM_000091.5(COL4A3):c.2107G>C (p.Gly703Arg)

Genes: COL4A3 (collagen type IV alpha 3 chain; plus strand), MFF-DT (MFF divergent transcript; minus strand). Cytogenetic location: 2q36.3.
Variant type: single nucleotide variant.
Coding change: c.2107G>C on transcript NM_000091.5 (MANE Select); coding-DNA position 2107, G replaced by C.
Protein change: p.Gly703Arg; replaces glycine 703 with arginine.
Molecular consequence: missense variant.
Genome position (GRCh38, 1-based): chr2:227,277,535, G>C. VCF-style: chr2-227277535-G-C. GRCh37 (hg19) VCF-style: chr2-228142251-G-C.
Other names: short protein forms G703R.
Identifiers: ClinVar variation 4687264 (VCV004687264.1).
Genomic context (GRCh38, chr2:227,277,535, plus strand): 5'-GGAGATCCTGGTCTTCCAGGGCCTGATGGTGAACCAGGAATTCCAGGAATTGGATTTCCT[G>C]GGCCTCCTGGACCTAAGGGTAAATTTAAAATTTTTTCAAACATAAAGTTTGTTGTGGATA-3'
Protein context (NP_000082.2, residues 693-713): EPGIPGIGFP[Gly703Arg]PPGPKGDQGF

ClinVar aggregate classification (germline): Uncertain significance (1 of 4 stars; one submission).

gnomAD v4.1: 2 of 1,610,210 alleles (0.00012%); highest among the groups gnomAD compares: African/African-American, 0.0013%; no homozygotes.

Submission:

Women's Health and Genetics/Laboratory Corporation of America, LabCorp
Classification: Uncertain significance. Last evaluated: 2025-10-15. Review status: criteria provided, single submitter. Criteria: LabCorp Variant Classification Summary - May 2015. Collection method: clinical testing. Allele origin: germline.
Comment: Variant summary: COL4A3 c.2107G>C (p.Gly703Arg) results in a non-conservative amino acid change in the encoded protein sequence. Algorithms developed to predict the effect of missense changes on protein structure and function all suggest that this variant is likely to be disruptive. The variant allele was found at a frequency of 4.1e-06 in 242934 control chromosomes. The available data on variant occurrences in the general population are insufficient to allow any conclusion about variant significance. To our knowledge, no occurrence of c.2107G>C in individuals affected with COL4A3-related conditions and no experimental evidence demonstrating its impact on protein function have been reported. No submitters have cited clinical-significance assessments for this variant to ClinVar. Based on the evidence outlined above, the variant was classified as uncertain significance.